The following is an entry in ClinVar:

ClinVar aggregate classification (germline): Uncertain significance. Review status: criteria provided, multiple submitters, no conflicts (2 of 4 stars). 3 submissions from 3 submitters: Uncertain significance (3). Last evaluated 2024-11-15.

Allele frequency attached by ClinVar (database versions not stated): ExAC 0.00004; gnomAD exomes 0.00006; gnomAD 0.00008.
gnomAD v4.1: 101 of 1,613,584 alleles (0.0063%); highest among the groups gnomAD compares: Middle Eastern, 0.083%; no homozygotes.

Submissions (3):

Ambry Genetics
Classification: Uncertain significance. Last evaluated: 2024-11-15. Review status: criteria provided, single submitter. Criteria: Ambry Variant Classification Scheme 2023. Collection method: clinical testing. Allele origin: germline.

Blueprint Genetics
Classification: Uncertain significance. Last evaluated: 2024-09-03. Review status: criteria provided, single submitter. Criteria: ACMG Guidelines, 2015. Collection method: clinical testing. Allele origin: germline.

Labcorp Genetics (formerly Invitae), Labcorp
Classification: Uncertain significance. Last evaluated: 2022-09-07. Review status: criteria provided, single submitter. Criteria: Invitae Variant Classification Sherloc (09022015). Collection method: clinical testing. Allele origin: germline.
Comment: This sequence change replaces phenylalanine, which is neutral and non-polar, with valine, which is neutral and non-polar, at codon 69 of the C8A protein (p.Phe69Val). This variant is present in population databases (rs776244708, gnomAD 0.01%). This variant has not been reported in the literature in individuals affected with C8A-related conditions. Algorithms developed to predict the effect of missense changes on protein structure and function are either unavailable or do not agree on the potential impact of this missense change (SIFT: "Tolerated"; PolyPhen-2: "Possibly Damaging"; Align-GVGD: "Class C0"). Algorithms developed to predict the effect of sequence changes on RNA splicing suggest that this variant may create or strengthen a splice site. In summary, the available evidence is currently insufficient to determine the role of this variant in disease. Therefore, it has been classified as a Variant of Uncertain Significance.

NM_000562.3(C8A):c.205T>G (p.Phe69Val)

Gene: C8A (complement C8 alpha chain; plus strand). Cytogenetic location: 1p32.2.
Variant type: single nucleotide variant.
Coding change: c.205T>G on transcript NM_000562.3 (MANE Select); coding-DNA position 205, T replaced by G.
Protein change: p.Phe69Val; replaces phenylalanine 69 with valine.
Molecular consequence: missense variant.
Genome position (GRCh38, 1-based): chr1:56,874,982, T>G. VCF-style: chr1-56874982-T-G. GRCh37 (hg19) VCF-style: chr1-57340655-T-G.
Other names: short protein forms F69V.
Identifiers: ClinVar variation 2067428 (VCV002067428.3), dbSNP rs776244708, ClinGen allele CA874961.